The following is an entry in ClinVar:

NM_000038.6(APC):c.5656G>C (p.Glu1886Gln)

Gene: APC (APC regulator of Wnt signaling pathway; plus strand). Cytogenetic location: 5q22.2.
Variant type: single nucleotide variant.
Coding change: c.5656G>C on transcript NM_000038.6 (MANE Select); coding-DNA position 5656, G replaced by C.
Protein change: p.Glu1886Gln; replaces glutamic acid 1886 with glutamine.
Molecular consequence: missense variant.
Genome position (GRCh38, 1-based): chr5:112,841,250, G>C. VCF-style: chr5-112841250-G-C. GRCh37 (hg19) VCF-style: chr5-112176947-G-C.
Other names: c.5656G>C, p.Glu1886Gln (NM_001127510.3, NM_001354895.2); c.5602G>C, p.Glu1868Gln (NM_001127511.3); c.5710G>C, p.Glu1904Gln (NM_001354896.2); c.5686G>C, p.Glu1896Gln (NM_001354897.2); c.5581G>C, p.Glu1861Gln (NM_001354898.2); c.5572G>C, p.Glu1858Gln (NM_001354899.2); c.5533G>C, p.Glu1845Gln (NM_001354900.2); c.5479G>C, p.Glu1827Gln (NM_001354901.2); and 5 more; short protein forms E1868Q, E1886Q, E1726Q, E1760Q, E1858Q, E1603Q, E1785Q, E1896Q.
Identifiers: ClinVar variation 537530 (VCV000537530.16), dbSNP rs587781400, ClinGen allele CA042540.

ClinVar aggregate classification (germline): Uncertain significance. Review status: criteria provided, multiple submitters, no conflicts (2 of 4 stars). 3 submissions from 3 submitters: Uncertain significance (3). Last evaluated 2024-04-05.

Conditions:
Hereditary cancer-predisposing syndrome. Also called: Tumor predisposition; Hereditary Cancer Syndrome; Hereditary neoplastic syndrome; Neoplastic Syndromes, Hereditary. Identifiers: Orphanet 140162, MedGen C0027672, MeSH D009386, MONDO:0015356.
Familial adenomatous polyposis 1 (FAP1). Also called: FAMILIAL ADENOMATOUS POLYPOSIS 1, ATTENUATED; POLYPOSIS, ADENOMATOUS INTESTINAL. Identifiers: MedGen C2713442, MONDO:0021056, OMIM 175100. Disease mechanism: loss of function.

Allele frequency attached by ClinVar (database versions not stated): gnomAD exomes below 0.00001; ExAC 0.00001.
gnomAD v4.1: 1 of 1,613,686 alleles (0.000062%); highest among the groups gnomAD compares: Non-Finnish European, 0.000085%; no homozygotes.

Submissions (3):

Labcorp Genetics (formerly Invitae), Labcorp
Classification: Uncertain significance for Familial adenomatous polyposis 1. Last evaluated: 2024-04-05. Review status: criteria provided, single submitter. Criteria: Invitae Variant Classification Sherloc (09022015). Collection method: clinical testing. Allele origin: germline.
Comment: This sequence change replaces glutamic acid, which is acidic and polar, with glutamine, which is neutral and polar, at codon 1886 of the APC protein (p.Glu1886Gln). This variant is present in population databases (rs587781400, gnomAD 0.0009%). This variant has not been reported in the literature in individuals affected with APC-related conditions. ClinVar contains an entry for this variant (Variation ID: 537530). Advanced modeling of protein sequence and biophysical properties (such as structural, functional, and spatial information, amino acid conservation, physicochemical variation, residue mobility, and thermodynamic stability) performed at Invitae indicates that this missense variant is not expected to disrupt APC protein function with a negative predictive value of 95%. In summary, the available evidence is currently insufficient to determine the role of this variant in disease. Therefore, it has been classified as a Variant of Uncertain Significance.

GeneDx
Classification: Uncertain significance. Last evaluated: 2019-08-21. Review status: criteria provided, single submitter. Criteria: GeneDx Variant Classification Process June 2021. Collection method: clinical testing. Allele origin: germline. Affected: yes.
Comment: Not observed at a significant allele frequency in large population cohorts (Lek 2016); In silico analysis, which includes protein predictors and evolutionary conservation, supports that this variant does not alter protein structure/function; Has not been previously published as pathogenic or benign to our knowledge

Ambry Genetics
Classification: Uncertain significance for Hereditary cancer-predisposing syndrome. Last evaluated: 2018-10-31. Review status: criteria provided, single submitter. Criteria: Ambry Variant Classification Scheme 2023. Collection method: clinical testing. Allele origin: germline.
Comment: The p.E1886Q variant (also known as c.5656G>C), located in coding exon 15 of the APC gene, results from a G to C substitution at nucleotide position 5656. The glutamic acid at codon 1886 is replaced by glutamine, an amino acid with highly similar properties. This amino acid position is well conserved in available vertebrate species. In addition, in silico predictors for this gene do not accurately predict pathogenicity. Since supporting evidence is limited at this time, the clinical significance of this alteration remains unclear.